The following is an entry in ClinVar:

ClinVar aggregate classification (germline): Conflicting classifications of pathogenicity. Review status: criteria provided, conflicting classifications (1 of 4 stars). 3 submissions from 3 submitters: Uncertain significance (1); Likely benign (2). Last evaluated 2025-01-21.

Conditions:
Inborn genetic diseases. Identifiers: MedGen C0950123, MeSH D030342.

Allele frequency attached by ClinVar (database versions not stated): TOPMed 0.00001; ExAC 0.00002; gnomAD exomes 0.00002; gnomAD 0.00003.
gnomAD v4.1: 31 of 1,614,070 alleles (0.0019%); highest among the groups gnomAD compares: South Asian, 0.0022%; no homozygotes.

Submissions (3):

Ambry Genetics
Classification: Likely benign for Inborn genetic diseases. Last evaluated: 2025-01-21. Review status: criteria provided, single submitter. Criteria: Ambry Variant Classification Scheme 2023. Collection method: clinical testing. Allele origin: germline.

Labcorp Genetics (formerly Invitae), Labcorp
Classification: Likely benign. Last evaluated: 2024-11-27. Review status: criteria provided, single submitter. Criteria: Invitae Variant Classification Sherloc (09022015). Collection method: clinical testing. Allele origin: germline.

Women's Health and Genetics/Laboratory Corporation of America, LabCorp
Classification: Uncertain significance. Last evaluated: 2024-04-10. Review status: criteria provided, single submitter. Criteria: LabCorp Variant Classification Summary - May 2015. Collection method: clinical testing. Allele origin: germline.
Comment: Variant summary: KMT2C c.6791C>T (p.Pro2264Leu) results in a non-conservative amino acid change in the encoded protein sequence. Two of four in-silico tools predict a benign effect of the variant on protein function. The variant allele was found at a frequency of 1.2e-05 in 251414 control chromosomes. The available data on variant occurrences in the general population are insufficient to allow any conclusion about variant significance. To our knowledge, no occurrence of c.6791C>T in individuals affected with Kleefstra Syndrome 2 and no experimental evidence demonstrating its impact on protein function have been reported. ClinVar contains an entry for this variant (Variation ID: 2900857). Based on the evidence outlined above, the variant was classified as uncertain significance.

NM_170606.3(KMT2C):c.6791C>T (p.Pro2264Leu)

Gene: KMT2C (lysine methyltransferase 2C; minus strand). Cytogenetic location: 7q36.1.
Variant type: single nucleotide variant.
Coding change: c.6791C>T on transcript NM_170606.3 (MANE Select); coding-DNA position 6791, C replaced by T.
Protein change: p.Pro2264Leu; replaces proline 2264 with leucine.
Molecular consequence: missense variant.
Genome position (GRCh38, 1-based): chr7:152,181,069, G>A on the plus strand (C>T on the coding strand, the complement: KMT2C is on the minus strand). VCF-style: chr7-152181069-G-A. GRCh37 (hg19) VCF-style: chr7-151878154-G-A.
Other names: c.6791C>T (NM_170606.2); short protein forms P2264L.
Identifiers: ClinVar variation 2900857 (VCV002900857.5), dbSNP rs780064766, ClinGen allele CA4580014.